The following is an entry in ClinVar:

ClinVar aggregate classification (germline): Uncertain significance. Review status: criteria provided, multiple submitters, no conflicts (2 of 4 stars). 4 submissions from 4 submitters: Uncertain significance (4). Last evaluated 2025-07-15.

Conditions:
Jeune thoracic dystrophy. Also called: Jeune syndrome; Infantile thoracic dystrophy; Thoracic pelvic phalangeal dystrophy; Jeune's syndrome; Chondroectodermal dysplasia-like syndrome; Short-rib thoracic dysplasia. Identifiers: Orphanet 474, MedGen C0265275, MONDO:0018770.
DYNC2H1-related disorder. Also called: DYNC2H1-related condition; DYNC2H1-related disorders. Identifiers: MedGen CN378770.
Inborn genetic diseases. Identifiers: MedGen C0950123, MeSH D030342.

Allele frequency attached by ClinVar (database versions not stated): TOPMed 0.00002.
gnomAD v4.1: 12 of 1,612,910 alleles (0.00074%); highest among the groups gnomAD compares: Admixed American, 0.0083%; no homozygotes.

Submissions (4):

PreventionGenetics, part of Exact Sciences
Classification: Uncertain significance for DYNC2H1-related condition. Last evaluated: 2025-07-15. Review status: criteria provided, single submitter. Criteria: ACMG Guidelines, 2015. Collection method: clinical testing. Allele origin: germline.
Comment: The DYNC2H1 c.10204A>G variant is predicted to result in the amino acid substitution p.Thr3402Ala. This variant has been reported in an individual with myelomeningocele, however additional information was not provided (Table S3, Au et al. 2021. PubMed ID: 33574475). This variant is reported in 0.011% of alleles in individuals of African descent in gnomAD. At this time, the clinical significance of this variant is uncertain due to the absence of conclusive functional and genetic evidence.

Blueprint Genetics
Classification: Uncertain significance. Last evaluated: 2024-11-21. Review status: criteria provided, single submitter. Criteria: ACMG Guidelines, 2015. Collection method: clinical testing. Allele origin: germline.

Ambry Genetics
Classification: Uncertain significance for Inborn genetic diseases. Last evaluated: 2022-01-10. Review status: criteria provided, single submitter. Criteria: Ambry Variant Classification Scheme 2023. Collection method: clinical testing. Allele origin: germline.

Labcorp Genetics (formerly Invitae), Labcorp
Classification: Uncertain significance for Jeune thoracic dystrophy. Last evaluated: 2021-12-13. Review status: criteria provided, single submitter. Criteria: Invitae Variant Classification Sherloc (09022015). Collection method: clinical testing. Allele origin: germline.
Comment: This sequence change replaces threonine, which is neutral and polar, with alanine, which is neutral and non-polar, at codon 3402 of the DYNC2H1 protein (p.Thr3402Ala). This variant is present in population databases (no rsID available, gnomAD 0.01%). This variant has not been reported in the literature in individuals affected with DYNC2H1-related conditions. Algorithms developed to predict the effect of missense changes on protein structure and function (SIFT, PolyPhen-2, Align-GVGD) all suggest that this variant is likely to be disruptive. Algorithms developed to predict the effect of sequence changes on RNA splicing suggest that this variant may create or strengthen a splice site. In summary, the available evidence is currently insufficient to determine the role of this variant in disease. Therefore, it has been classified as a Variant of Uncertain Significance.

NM_001377.3(DYNC2H1):c.10183A>G (p.Thr3395Ala)

Gene: DYNC2H1 (dynein cytoplasmic 2 heavy chain 1; plus strand). Cytogenetic location: 11q22.3.
Variant type: single nucleotide variant.
Coding change: c.10183A>G on transcript NM_001377.3 (MANE Select); coding-DNA position 10183, A replaced by G.
Protein change: p.Thr3395Ala; replaces threonine 3395 with alanine.
Molecular consequence: missense variant.
Genome position (GRCh38, 1-based): chr11:103,253,425, A>G. VCF-style: chr11-103253425-A-G. GRCh37 (hg19) VCF-style: chr11-103124154-A-G.
Other names: c.10204A>G (NM_001080463.1); c.10204A>G, p.Thr3402Ala (NM_001080463.2); short protein forms T3402A, T3395A.
Identifiers: ClinVar variation 1358587 (VCV001358587.8), dbSNP rs757061327, ClinGen allele CA382248345.
Genomic context (GRCh38, chr11:103,253,425, plus strand): 5'-CCAAATCCTTTTATTCCACCGGATGCAGCTTCCATTGTTACTGAGGTTAACTTTACTACA[A>G]CAAGAAGTGGATTACGAGGGCAGGTATACATAGATAATAATAATTTACCTTGGAATCTTT-3'
Protein context (NP_001368.2, residues 3385-3405): SIVTEVNFTT[Thr3395Ala]RSGLRGQLLA